The following is an entry in ClinVar:

ClinVar aggregate classification (germline): Likely pathogenic (1 of 4 stars; one submission).

Submission:

Labcorp Genetics (formerly Invitae), Labcorp
Classification: Likely pathogenic. Last evaluated: 2023-12-19. Review status: criteria provided, single submitter. Criteria: Invitae Variant Classification Sherloc (09022015). Collection method: clinical testing. Allele origin: germline.
Comment: This sequence change creates a premature translational stop signal (p.Arg847Ilefs*25) in the TOPORS gene. While this is not anticipated to result in nonsense mediated decay, it is expected to disrupt the last 199 amino acid(s) of the TOPORS protein. This variant is not present in population databases (gnomAD no frequency). This premature translational stop signal has been observed in individual(s) with retinitis pigmentosa (Invitae). ClinVar contains an entry for this variant (Variation ID: 937606). This variant is located in a region of the TOPORS protein where a significant number of TOPORS nonsense and frameshift mutations have been reported in association with autosomal dominant retinitis pigmentosa (PMID: 35579903, 17924349, 32531858). In summary, the currently available evidence indicates that the variant is pathogenic, but additional data are needed to prove that conclusively. Therefore, this variant has been classified as Likely Pathogenic.

Literature cited by the submitters: PubMed 35579903; PubMed 17924349; PubMed 32531858.

NM_005802.5(TOPORS):c.2539_2540del (p.Arg847fs)

Gene: TOPORS (TOP1 binding arginine/serine rich protein, E3 ubiquitin ligase; minus strand). Cytogenetic location: 9p21.1.
Variant type: Deletion.
Coding change: c.2539_2540del on transcript NM_005802.5 (MANE Select); coding-DNA positions 2539 to 2540, 2 bases deleted (CG; older notation c.2539_2540delCG).
Protein change: p.Arg847fs; shifts the reading frame from arginine 847.
Molecular consequence: frameshift variant.
Genome position (GRCh38, 1-based): chr9:32,541,985-32,541,986, CG deleted on the plus strand (CG on the coding strand, the reverse complement: TOPORS is on the minus strand). VCF-style (leftmost placement, unchanged base first): chr9-32541984-TCG-T. GRCh37 (hg19) VCF-style: chr9-32541982-TCG-T.
Other names: c.2344_2345del, p.Arg782fs (NM_001195622.2); short protein forms R782fs, R847fs.
Identifiers: ClinVar variation 937606 (VCV000937606.9), dbSNP rs1821070611, ClinGen allele CA1139660906.